The following is an entry in ClinVar:

NM_012470.4(TNPO3):c.1999C>T (p.Arg667Cys)

Gene: TNPO3 (transportin 3; minus strand). Cytogenetic location: 7q32.1.
Variant type: single nucleotide variant.
Coding change: c.1999C>T on transcript NM_012470.4 (MANE Select); coding-DNA position 1999, C replaced by T.
Protein change: p.Arg667Cys; replaces arginine 667 with cysteine.
Molecular consequence: missense variant. On other transcripts: non-coding transcript variant (14), intron variant (1).
Genome position (GRCh38, 1-based): chr7:128,979,045, G>A on the plus strand (C>T on the coding strand, the complement: TNPO3 is on the minus strand). VCF-style: chr7-128979045-G-A. GRCh37 (hg19) VCF-style: chr7-128619099-G-A.
Other names: c.1807C>T, p.Arg603Cys (NM_001191028.3, NM_001382223.1); c.2101C>T, p.Arg701Cys (NM_001382216.1); c.2080C>T, p.Arg694Cys (NM_001382217.1); c.1999C>T, p.Arg667Cys (NM_001382218.1); c.1891C>T, p.Arg631Cys (NM_001382219.1); c.1855C>T, p.Arg619Cys (NM_001382221.1); c.1852C>T, p.Arg618Cys (NM_001382222.1); c.1920+926C>T (NM_001382220.1); short protein forms R603C, R618C, R619C, R631C, R667C, R694C, R701C.
Identifiers: ClinVar variation 1304661 (VCV001304661.2), dbSNP rs2129003608, ClinGen allele CA369221051.
Genomic context (GRCh38, chr7:128,979,045, plus strand): 5'-GTGTGACTAGTGGCTGCAGCAGTGCTGCAGATCCTTTGCCTACACAGCGAACAGCAAAGC[G>A]CAGGCACCTGCAACAACGCTCTACAATCCGATTATCAGCTCGGTGCTTATTTAGAGTCTC-3'
Protein context (NP_036602.1, residues 657-677): RIVERCCRCL[Arg667Cys]FAVRCVGKGS

ClinVar aggregate classification (germline): Uncertain significance (1 of 4 stars; one submission).

Submission:

GeneDx
Classification: Uncertain significance. Last evaluated: 2019-11-06. Review status: criteria provided, single submitter. Criteria: GeneDx Variant Classification Process June 2021. Collection method: clinical testing. Allele origin: germline. Affected: yes.
Comment: Not observed in large population cohorts (Lek et al., 2016); In silico analysis, which includes protein predictors and evolutionary conservation, supports a deleterious effect; Has not been previously published as pathogenic or benign to our knowledge